The following is an entry in ClinVar:

NM_001127222.2(CACNA1A):c.6320C>T (p.Pro2107Leu)

Gene: CACNA1A (calcium voltage-gated channel subunit alpha1 A; minus strand). Cytogenetic location: 19p13.13.
Variant type: single nucleotide variant.
Coding change: c.6320C>T on transcript NM_001127222.2 (MANE Select); coding-DNA position 6320, C replaced by T.
Protein change: p.Pro2107Leu; replaces proline 2107 with leucine.
Molecular consequence: missense variant.
Genome position (GRCh38, 1-based): chr19:13,210,636, G>A on the plus strand (C>T on the coding strand, the complement: CACNA1A is on the minus strand). VCF-style: chr19-13210636-G-A. GRCh37 (hg19) VCF-style: chr19-13321450-G-A.
Other names: c.6338C>T, p.Pro2113Leu (NM_000068.4, NM_023035.3); c.6323C>T, p.Pro2108Leu (NM_001127221.2); c.6329C>T, p.Pro2110Leu (NM_001174080.2); short protein forms P2107L, P2108L, P2110L, P2113L.
Identifiers: ClinVar variation 3754143 (VCV003754143.3).

ClinVar aggregate classification (germline): Uncertain significance. Review status: criteria provided, multiple submitters, no conflicts (2 of 4 stars). 2 submissions from 2 submitters: Uncertain significance (2). Last evaluated 2024-11-26.

Conditions:
Episodic ataxia type 2 (EA2). Also called: ATAXIA, EPISODIC, WITH NYSTAGMUS; ATAXIA, FAMILIAL PAROXYSMAL; ACETAZOLAMIDE-RESPONSIVE HEREDITARY PAROXYSMAL CEREBELLAR ATAXIA; CEREBELLAR ATAXIA, PAROXYSMAL, ACETAZOLAMIDE-RESPONSIVE; CEREBELLOPATHY, HEREDITARY PAROXYSMAL; EPISODIC ATAXIA, NYSTAGMUS-ASSOCIATED. Identifiers: Orphanet 97, MedGen C1720416, MONDO:0007163, OMIM 108500.
Developmental and epileptic encephalopathy, 42 (DEE42A). Also called: Epileptic encephalopathy, early infantile, 42; DEVELOPMENTAL AND EPILEPTIC ENCEPHALOPATHY 42A; EPILEPTIC ENCEPHALOPATHY, EARLY INFANTILE, 42A. Identifiers: MedGen C4310716, MONDO:0014917, OMIM 617106.

Submissions (2):

GeneDx
Classification: Uncertain significance. Last evaluated: 2024-11-26. Review status: criteria provided, single submitter. Criteria: GeneDx Variant Classification Process June 2021. Collection method: clinical testing. Allele origin: germline. Affected: yes.
Comment: Not observed at significant frequency in large population cohorts (gnomAD); In silico analysis supports that this missense variant has a deleterious effect on protein structure/function; Has not been previously published as pathogenic or benign to our knowledge

Labcorp Genetics (formerly Invitae), Labcorp
Classification: Uncertain significance for Developmental and epileptic encephalopathy, 42; Episodic ataxia type 2. Last evaluated: 2024-07-01. Review status: criteria provided, single submitter. Criteria: Invitae Variant Classification Sherloc (09022015). Collection method: clinical testing. Allele origin: germline.
Comment: This sequence change replaces proline, which is neutral and non-polar, with leucine, which is neutral and non-polar, at codon 2108 of the CACNA1A protein (p.Pro2108Leu). This variant is not present in population databases (gnomAD no frequency). This variant has not been reported in the literature in individuals affected with CACNA1A-related conditions. Advanced modeling of protein sequence and biophysical properties (such as structural, functional, and spatial information, amino acid conservation, physicochemical variation, residue mobility, and thermodynamic stability) performed at Invitae indicates that this missense variant is not expected to disrupt CACNA1A protein function with a negative predictive value of 95%. In summary, the available evidence is currently insufficient to determine the role of this variant in disease. Therefore, it has been classified as a Variant of Uncertain Significance.